The following is an entry in ClinVar:

NM_015338.6(ASXL1):c.399C>T (p.Asn133=)

Gene: ASXL1 (ASXL transcriptional regulator 1; plus strand). Cytogenetic location: 20q11.21.
Variant type: single nucleotide variant.
Coding change: c.399C>T on transcript NM_015338.6 (MANE Select); coding-DNA position 399, C replaced by T.
Protein change: p.Asn133=; no amino-acid change (asparagine 133 retained).
Molecular consequence: synonymous variant.
Genome position (GRCh38, 1-based): chr20:32,428,350, C>T. VCF-style: chr20-32428350-C-T. GRCh37 (hg19) VCF-style: chr20-31016153-C-T.
Other names: c.369C>T, p.Asn123= (NM_001363734.1).
Identifiers: ClinVar variation 2067556 (VCV002067556.9), dbSNP rs570931513, ClinGen allele CA9808079.
Genomic context (GRCh38, chr20:32,428,350, plus strand): 5'-CACTAGGGACTAACCTTTATTTTCCTCTCTTCCAGTATCTCTTGATGAAACATCTTCGAA[C>T]GCATCCTGTTCTACAGAATCTCAGAGTCGACCTCTTTCCAATCCCAGGGACAGCTACAGA-3'
Protein context (NP_056153.2, residues 123-143): NDVSLDETSS[Asn133=]ASCSTESQSR

ClinVar aggregate classification (germline): Likely benign. Review status: criteria provided, multiple submitters, no conflicts (2 of 4 stars). 3 submissions from 3 submitters: Likely benign (3). Last evaluated 2026-06-01.

Conditions:
Inborn genetic diseases. Identifiers: MedGen C0950123, MeSH D030342.

Allele frequency attached by ClinVar (database versions not stated): ExAC 0.00007; gnomAD exomes 0.00007; TOPMed 0.00009; gnomAD 0.00010.
gnomAD v4.1: 116 of 1,614,036 alleles (0.0072%); highest among the groups gnomAD compares: Non-Finnish European, 0.0088%; no homozygotes.

Submissions (3):

CeGaT Center for Human Genetics Tuebingen
Classification: Likely benign. Last evaluated: 2026-06-01. Review status: criteria provided, single submitter. Criteria: CeGaT Center For Human Genetics Tuebingen Variant Classification Criteria Version 2. Collection method: clinical testing. Allele origin: germline. Affected: yes. Observed: 2 variant alleles.
Comment: ASXL1: BP4, BP7

Labcorp Genetics (formerly Invitae), Labcorp
Classification: Likely benign. Last evaluated: 2025-10-13. Review status: criteria provided, single submitter. Criteria: Invitae Variant Classification Sherloc (09022015). Collection method: clinical testing. Allele origin: germline.

Ambry Genetics
Classification: Likely benign for Inborn genetic diseases. Last evaluated: 2024-10-17. Review status: criteria provided, single submitter. Criteria: Ambry Variant Classification Scheme 2023. Collection method: clinical testing. Allele origin: germline.